The following is an entry in ClinVar:

NM_001003841.3(SLC6A19):c.13G>A (p.Val5Met)

Gene: SLC6A19 (solute carrier family 6 member 19; plus strand). Cytogenetic location: 5p15.33.
Variant type: single nucleotide variant.
Coding change: c.13G>A on transcript NM_001003841.3 (MANE Select); coding-DNA position 13, G replaced by A.
Protein change: p.Val5Met; replaces valine 5 with methionine.
Molecular consequence: missense variant.
Genome position (GRCh38, 1-based): chr5:1,201,663, G>A. VCF-style: chr5-1201663-G-A. GRCh37 (hg19) VCF-style: chr5-1201778-G-A.
Other names: short protein forms V5M.
Identifiers: ClinVar variation 1991798 (VCV001991798.4), dbSNP rs200608959, ClinGen allele CA3182531.
Genomic context (GRCh38, chr5:1,201,663, plus strand): 5'-TCCAGCTTCTGCCCTGCCTGCTGTGTGCGGAGCCGTCCAGCGACCACCATGGTGAGGCTC[G>A]TGCTGCCCAACCCCGGCCTAGACGCCCGGATCCCGTCCCTGGCTGAGCTGGAGACCATCG-3'
Protein context (NP_001003841.1, residues 1-15): MVRL[Val5Met]LPNPGLDARI

ClinVar aggregate classification (germline): Uncertain significance (1 of 4 stars; one submission).

Allele frequency attached by ClinVar (database versions not stated): gnomAD 0.00001; TOPMed 0.00003; 1000 Genomes Project 30x 0.00016; 1000 Genomes Project 0.00020.
gnomAD v4.1: 43 of 1,606,164 alleles (0.0027%); highest among the groups gnomAD compares: Admixed American, 0.0033%; no homozygotes.

Submission:

Labcorp Genetics (formerly Invitae), Labcorp
Classification: Uncertain significance. Last evaluated: 2024-03-07. Review status: criteria provided, single submitter. Criteria: Invitae Variant Classification Sherloc (09022015). Collection method: clinical testing. Allele origin: germline.
Comment: This sequence change replaces valine, which is neutral and non-polar, with methionine, which is neutral and non-polar, at codon 5 of the SLC6A19 protein (p.Val5Met). This variant is present in population databases (rs200608959, gnomAD 0.007%). This variant has not been reported in the literature in individuals affected with SLC6A19-related conditions. ClinVar contains an entry for this variant (Variation ID: 1991798). An algorithm developed to predict the effect of missense changes on protein structure and function (PolyPhen-2) suggests that this variant is likely to be tolerated. In summary, the available evidence is currently insufficient to determine the role of this variant in disease. Therefore, it has been classified as a Variant of Uncertain Significance.